The following is an entry in ClinVar:

ClinVar aggregate classification (germline): Uncertain significance (1 of 4 stars; one submission).

Conditions:
Spondyloenchondrodysplasia with immune dysregulation (SPENCDI). Also called: COMBINED IMMUNODEFICIENCY WITH AUTOIMMUNITY AND SPONDYLOMETAPHYSEAL DYSPLASIA; ROIFMAN IMMUNOSKELETAL SYNDROME; SPONDYLOENCHONDRODYSPLASIA WITH OR WITHOUT IMMUNE DYSREGULATION. Identifiers: Orphanet 1855, MedGen C1842763, MONDO:0011939, OMIM 607944.

gnomAD v4.1: 1 of 1,610,394 alleles (0.000062%); highest among the groups gnomAD compares: Non-Finnish European, 0.000085%; no homozygotes.

Submission:

Labcorp Genetics (formerly Invitae), Labcorp
Classification: Uncertain significance for Spondyloenchondrodysplasia with immune dysregulation. Last evaluated: 2023-02-16. Review status: criteria provided, single submitter. Criteria: Invitae Variant Classification Sherloc (09022015). Collection method: clinical testing. Allele origin: germline.
Comment: This sequence change replaces valine, which is neutral and non-polar, with leucine, which is neutral and non-polar, at codon 208 of the ACP5 protein (p.Val208Leu). This variant is not present in population databases (gnomAD no frequency). This variant has not been reported in the literature in individuals affected with ACP5-related conditions. Advanced modeling of protein sequence and biophysical properties (such as structural, functional, and spatial information, amino acid conservation, physicochemical variation, residue mobility, and thermodynamic stability) performed at Invitae indicates that this missense variant is not expected to disrupt ACP5 protein function. In summary, the available evidence is currently insufficient to determine the role of this variant in disease. Therefore, it has been classified as a Variant of Uncertain Significance.

NM_001611.5(ACP5):c.622G>C (p.Val208Leu)

Gene: ACP5 (acid phosphatase 5, tartrate resistant; minus strand). Cytogenetic location: 19p13.2.
Variant type: single nucleotide variant.
Coding change: c.622G>C on transcript NM_001611.5 (MANE Select); coding-DNA position 622, G replaced by C.
Protein change: p.Val208Leu; replaces valine 208 with leucine.
Molecular consequence: missense variant.
Genome position (GRCh38, 1-based): chr19:11,576,356, C>G on the plus strand (G>C on the coding strand, the complement: ACP5 is on the minus strand). VCF-style: chr19-11576356-C-G. GRCh37 (hg19) VCF-style: chr19-11687171-C-G.
Other names: c.622G>C, p.Val208Leu (NM_001111034.3, NM_001111035.3, NM_001111036.3 and 1 more transcripts); short protein forms V208L.
Identifiers: ClinVar variation 2880313 (VCV002880313.3), dbSNP rs535257196, ClinGen allele CA404146455.
Genomic context (GRCh38, chr19:11,576,356, plus strand): 5'-GCAGTGGCCGTAGCTGCTTGACCAGGCAGTGGGTAGGCCCGTGCTCGGCTATGGACCACA[C>G]GGGGTAGTGGCCAGCCACCAGCACGTAGTCCTCCCTGGCCGCCGCCAGCTGTTTCTTGAG-3'
Protein context (NP_001602.1, residues 198-218): DYVLVAGHYP[Val208Leu]WSIAEHGPTH